The following is an entry in ClinVar:

NM_021008.4(DEAF1):c.719T>C (p.Phe240Ser)

Gene: DEAF1 (DEAF1 transcription factor; minus strand). Cytogenetic location: 11p15.5.
Variant type: single nucleotide variant.
Coding change: c.719T>C on transcript NM_021008.4 (MANE Select); coding-DNA position 719, T replaced by C.
Protein change: p.Phe240Ser; replaces phenylalanine 240 with serine.
Molecular consequence: missense variant. On other transcripts: 5 prime UTR variant (4), intron variant (1).
Genome position (GRCh38, 1-based): chr11:686,943, A>G on the plus strand (T>C on the coding strand, the complement: DEAF1 is on the minus strand). VCF-style: chr11-686943-A-G. GRCh37 (hg19) VCF-style: chr11-686943-A-G.
Other names: p.Phe240Ser; c.-8T>C (NM_001367390.1, NM_001440885.1, NM_001440886.1 and 1 more transcripts); c.719T>C, p.Phe240Ser (NM_001440883.1, NM_001440884.1); c.664+968T>C (NM_001293634.2); short protein forms F240S.
Identifiers: ClinVar variation 1342716 (VCV001342716.4), dbSNP rs2133402508, ClinGen allele CA378932454.
Genomic context (GRCh38, chr11:686,943, plus strand): 5'-CCCGCGTAGCGAATGCTTCTTTTCCAGTCCTTACTGCTGGCTCTTCCTGCCATGGCCTCA[A>G]ACTCGGTGGGACTGTACCAGTTCTCCCCCTGCTTGATGCACCGTCCCCGGCCGCCTGCAA-3'
Protein context (NP_066288.2, residues 230-250): QGENWYSPTE[Phe240Ser]EAMAGRASSK

ClinVar aggregate classification (germline): Pathogenic (1 of 4 stars; one submission).

Conditions:
Intellectual disability, autosomal dominant 24 (VSVS). Also called: VULTO-VAN SILFHOUT-DE VRIES SYNDROME. Identifiers: MedGen C4014414, MONDO:0014357, OMIM 615828.

Submission:

Foundation for Research in Genetics and Endocrinology, FRIGE's Institute of Human Genetics
Classification: Pathogenic for Intellectual disability, autosomal dominant 24. Last evaluated: 2022-02-08. Review status: criteria provided, single submitter. Criteria: ACMG Guidelines, 2015. Collection method: clinical testing. Allele origin: de novo. Inheritance: Autosomal dominant inheritance. Affected: yes. Observed: 1 heterozygote.
Comment: A heterozygous missense variation in exon 5 of the DEAF1 gene that results in the amino acid substitution of Serine for Phenylalanine at codon 240 was detected. The observed variant c.719T>C (p.Phe240Ser) has not been reported in the 1000 genomes and gnomAD database respectively. The in silico prediction of the variant are probably damaging by PolyPhen-2 and damaging by SIFT and LRT. Segregation analysis showed this variant to be Denovo.The reference codon is conserved across species. In summary, the variant meets our criteria to be classified as a pathogenic variant.